The following is an entry in ClinVar:

NM_052947.4(ALPK2):c.5342G>C (p.Arg1781Thr)

Genes: ALPK2 (alpha kinase 2; minus strand), LOC130062577 (ATAC-STARR-seq lymphoblastoid active region 13389; plus strand). Cytogenetic location: 18q21.31.
Variant type: single nucleotide variant.
Coding change: c.5342G>C on transcript NM_052947.4 (MANE Select); coding-DNA position 5342, G replaced by C.
Protein change: p.Arg1781Thr; replaces arginine 1781 with threonine.
Molecular consequence: missense variant.
Genome position (GRCh38, 1-based): chr18:58,534,845, C>G on the plus strand (G>C on the coding strand, the complement: ALPK2 is on the minus strand). VCF-style: chr18-58534845-C-G. GRCh37 (hg19) VCF-style: chr18-56202077-C-G.
Other names: short protein forms R1781T.
Identifiers: ClinVar variation 1746943 (VCV001746943.2), dbSNP rs2051634452, ClinGen allele CA402556895.

ClinVar aggregate classification (germline): Uncertain significance (1 of 4 stars; one submission).

Submission:

Ambry Genetics
Classification: Uncertain significance. Last evaluated: 2022-01-08. Review status: criteria provided, single submitter. Criteria: Ambry Variant Classification Scheme 2023. Collection method: clinical testing. Allele origin: germline.
Comment: The p.R1781T variant (also known as c.5342G>C), located in coding exon 4 of the ALPK2 gene, results from a G to C substitution at nucleotide position 5342. The arginine at codon 1781 is replaced by threonine, an amino acid with similar properties. This amino acid position is conserved. In addition, this alteration is predicted to be tolerated by in silico analysis. Since supporting evidence is limited at this time, the clinical significance of this alteration remains unclear.